The following is an entry in ClinVar:

NM_004463.3(FGD1):c.640C>G (p.Leu214Val)

Gene: FGD1 (FYVE, RhoGEF and PH domain containing 1; minus strand). Cytogenetic location: Xp11.22.
Variant type: single nucleotide variant.
Coding change: c.640C>G on transcript NM_004463.3 (MANE Select); coding-DNA position 640, C replaced by G.
Protein change: p.Leu214Val; replaces leucine 214 with valine.
Molecular consequence: missense variant.
Genome position (GRCh38, 1-based): chrX:54,470,602, G>C on the plus strand (C>G on the coding strand, the complement: FGD1 is on the minus strand). VCF-style: chrX-54470602-G-C. GRCh37 (hg19) VCF-style: chrX-54497035-G-C.
Other names: short protein forms L214V.
Identifiers: ClinVar variation 451595 (VCV000451595.3), dbSNP rs1218549938, ClinGen allele CA413249329.

ClinVar aggregate classification (germline): Uncertain significance (1 of 4 stars; one submission).

Allele frequency attached by ClinVar (database versions not stated): TOPMed below 0.00001; gnomAD 0.00001; gnomAD exomes 0.00001.

Submission:

GeneDx
Classification: Uncertain significance. Last evaluated: 2025-09-16. Review status: criteria provided, single submitter. Criteria: GeneDx Variant Classification Process June 2021. Collection method: clinical testing. Allele origin: germline. Affected: yes.
Comment: In silico analysis suggests that this missense variant does not alter protein structure/function; Has not been previously published as pathogenic or benign to our knowledge